The following is an entry in ClinVar:

ClinVar aggregate classification (germline): Likely pathogenic (1 of 4 stars; one submission).

Conditions:
Familial focal epilepsy with variable foci (FPEVF). Identifiers: Orphanet 98820, MedGen C1858477, MONDO:0020310.

Submission:

Labcorp Genetics (formerly Invitae), Labcorp
Classification: Likely pathogenic for Familial focal epilepsy with variable foci. Last evaluated: 2023-12-11. Review status: criteria provided, single submitter. Criteria: Invitae Variant Classification Sherloc (09022015). Collection method: clinical testing. Allele origin: germline.
Comment: This sequence change affects a donor splice site in intron 2 of the DEPDC5 gene. It is expected to disrupt RNA splicing. Variants that disrupt the donor or acceptor splice site typically lead to a loss of protein function (PMID: 16199547), and loss-of-function variants in DEPDC5 are known to be pathogenic (PMID: 23542697, 23542701). This variant is not present in population databases (gnomAD no frequency). This variant has not been reported in the literature in individuals affected with DEPDC5-related conditions. ClinVar contains an entry for this variant (Variation ID: 2091049). Algorithms developed to predict the effect of sequence changes on RNA splicing suggest that this variant may disrupt the consensus splice site. In summary, the currently available evidence indicates that the variant is pathogenic, but additional data are needed to prove that conclusively. Therefore, this variant has been classified as Likely Pathogenic.

Literature cited by the submitters: PubMed 16199547; PubMed 23542697; PubMed 23542701.

NM_001242896.3(DEPDC5):c.58+2T>C

Gene: DEPDC5 (DEP domain containing 5, GATOR1 subcomplex subunit; plus strand). Cytogenetic location: 22q12.2.
Variant type: single nucleotide variant.
Coding change: c.58+2T>C on transcript NM_001242896.3 (MANE Select); the canonical splice donor site of the intron after coding-DNA position 58, T replaced by C.
Molecular consequence: splice donor variant.
Genome position (GRCh38, 1-based): chr22:31,754,981, T>C. VCF-style: chr22-31754981-T-C. GRCh37 (hg19) VCF-style: chr22-32150967-T-C.
Other names: c.58+2T>C (NM_001364318.2, NM_001136029.4, NM_014662.6 and 9 more transcripts).
Identifiers: ClinVar variation 2091049 (VCV002091049.4), dbSNP rs2517655719, ClinGen allele CA411278095.
Genomic context (GRCh38, chr22:31,754,981, plus strand): 5'-GATGAGAACAACAAAGGTCTACAAACTCGTCATCCACAAGAAGGGCTTTGGGGGCAGTGG[T>C]CAGTATCGATTGGTCTTTAGAGGTTTTGTAAGTTGGCTGAGGTTCTGGTGTGTGCAATAC-3'